The following is an entry in ClinVar:

NM_000215.4(JAK3):c.806G>A (p.Gly269Glu)

Gene: JAK3 (Janus kinase 3; minus strand). Cytogenetic location: 19p13.11.
Variant type: single nucleotide variant.
Coding change: c.806G>A on transcript NM_000215.4 (MANE Select); coding-DNA position 806, G replaced by A.
Protein change: p.Gly269Glu; replaces glycine 269 with glutamic acid.
Molecular consequence: missense variant.
Genome position (GRCh38, 1-based): chr19:17,842,371, C>T on the plus strand (G>A on the coding strand, the complement: JAK3 is on the minus strand). VCF-style: chr19-17842371-C-T. GRCh37 (hg19) VCF-style: chr19-17953180-C-T.
Other names: short protein forms G269E.
Identifiers: ClinVar variation 2095582 (VCV002095582.4), dbSNP rs2514574889, ClinGen allele CA404772415.

ClinVar aggregate classification (germline): Uncertain significance (1 of 4 stars; one submission).

Conditions:
T-B+ severe combined immunodeficiency due to JAK3 deficiency. Also called: SCID, T CELL-NEGATIVE, B CELL-POSITIVE, NK CELL-NEGATIVE; SCID, autosomal recessive, T-negative/B-positive type. Identifiers: Orphanet 35078, MedGen C1833275, MONDO:0010938, OMIM 600802.

Submission:

Labcorp Genetics (formerly Invitae), Labcorp
Classification: Uncertain significance for T-B+ severe combined immunodeficiency due to JAK3 deficiency. Last evaluated: 2022-02-14. Review status: criteria provided, single submitter. Criteria: Invitae Variant Classification Sherloc (09022015). Collection method: clinical testing. Allele origin: germline.
Comment: This sequence change replaces glycine, which is neutral and non-polar, with glutamic acid, which is acidic and polar, at codon 269 of the JAK3 protein (p.Gly269Glu). This variant is not present in population databases (gnomAD no frequency). In summary, the available evidence is currently insufficient to determine the role of this variant in disease. Therefore, it has been classified as a Variant of Uncertain Significance. Advanced modeling of protein sequence and biophysical properties (such as structural, functional, and spatial information, amino acid conservation, physicochemical variation, residue mobility, and thermodynamic stability) performed at Invitae indicates that this missense variant is not expected to disrupt JAK3 protein function. This variant has not been reported in the literature in individuals affected with JAK3-related conditions.